The following is an entry in ClinVar:

NM_000901.5(NR3C2):c.2348G>T (p.Trp783Leu)

Gene: NR3C2 (nuclear receptor subfamily 3 group C member 2; minus strand). Cytogenetic location: 4q31.23.
Variant type: single nucleotide variant.
Coding change: c.2348G>T on transcript NM_000901.5 (MANE Select); coding-DNA position 2348, G replaced by T.
Protein change: p.Trp783Leu; replaces tryptophan 783 with leucine.
Molecular consequence: missense variant. On other transcripts: intron variant (2).
Genome position (GRCh38, 1-based): chr4:148,154,568, C>A on the plus strand (G>T on the coding strand, the complement: NR3C2 is on the minus strand). VCF-style: chr4-148154568-C-A. GRCh37 (hg19) VCF-style: chr4-149075719-C-A.
Other names: c.2015-1955G>T (NM_001354819.1, NM_001166104.2); short protein forms W783L.
Identifiers: ClinVar variation 1302327 (VCV001302327.2), dbSNP rs2149767325, ClinGen allele CA358426219.

ClinVar aggregate classification (germline): Uncertain significance (1 of 4 stars; one submission).

Submission:

GeneDx
Classification: Uncertain significance. Last evaluated: 2019-06-21. Review status: criteria provided, single submitter. Criteria: GeneDx Variant Classification Process June 2021. Collection method: clinical testing. Allele origin: germline. Affected: yes.
Comment: Not observed in large population cohorts (Lek et al., 2016); In silico analysis, which includes protein predictors and evolutionary conservation, supports a deleterious effect; Has not been previously published as pathogenic or benign to our knowledge